The following is an entry in ClinVar:

ClinVar aggregate classification (germline): Benign (0 of 4 stars; one submission).

Conditions:
DNAH17-related disorder. Also called: DNAH17-related condition.

Allele frequency attached by ClinVar (database versions not stated): gnomAD exomes 0.00117; ExAC 0.00456; gnomAD 0.01159; 1000 Genomes Project 0.01278; ESP Exome Variant Server 0.01300; TOPMed 0.01367; 1000 Genomes Project 30x 0.01468.
gnomAD v4.1: 3,537 of 1,611,890 alleles (0.22%); highest among the groups gnomAD compares: African/African-American, 4%; 66 homozygotes.

Submission:

PreventionGenetics, part of Exact Sciences
Classification: Benign for DNAH17-related condition. Last evaluated: 2019-05-24. Review status: no assertion criteria provided. Collection method: clinical testing. Allele origin: germline.
Comment: This variant is classified as benign based on ACMG/AMP sequence variant interpretation guidelines (Richards et al. 2015 PMID: 25741868, with internal and published modifications).

NM_173628.4(DNAH17):c.8095G>A (p.Glu2699Lys)

Gene: DNAH17 (dynein axonemal heavy chain 17; minus strand). Cytogenetic location: 17q25.3.
Variant type: single nucleotide variant.
Coding change: c.8095G>A on transcript NM_173628.4 (MANE Select); coding-DNA position 8095, G replaced by A.
Protein change: p.Glu2699Lys; replaces glutamic acid 2699 with lysine.
Molecular consequence: missense variant.
Genome position (GRCh38, 1-based): chr17:78,476,631, C>T on the plus strand (G>A on the coding strand, the complement: DNAH17 is on the minus strand). VCF-style: chr17-78476631-C-T. GRCh37 (hg19) VCF-style: chr17-76472713-C-T.
Other names: short protein forms E2699K.
Identifiers: ClinVar variation 3042382 (VCV003042382.2), dbSNP rs116230343, ClinGen allele CA8801988.
Genomic context (GRCh38, chr17:78,476,631, plus strand): 5'-CATCAAAGAACTTCTTGGTGGAGGCCATGGTGACTCTATGCAATGTTTCCTGGTCTTTTT[C>T]GTCAACCATTTTGTCACCATACACTCGTTCAGTCTCATGTAGCCAAAGGCGGACGAGGTC-3'
Protein context (NP_775899.3, residues 2689-2709): ERVYGDKMVD[Glu2699Lys]KDQETLHRVT